The following is an entry in ClinVar:

NM_000091.5(COL4A3):c.4126G>A (p.Gly1376Arg)

Genes: COL4A3 (collagen type IV alpha 3 chain; plus strand), MFF-DT (MFF divergent transcript; minus strand). Cytogenetic location: 2q36.3.
Variant type: single nucleotide variant.
Coding change: c.4126G>A on transcript NM_000091.5 (MANE Select); coding-DNA position 4126, G replaced by A.
Protein change: p.Gly1376Arg; replaces glycine 1376 with arginine.
Molecular consequence: missense variant.
Genome position (GRCh38, 1-based): chr2:227,304,117, G>A. VCF-style: chr2-227304117-G-A. GRCh37 (hg19) VCF-style: chr2-228168833-G-A.
Other names: short protein forms G1376R.
Identifiers: ClinVar variation 3765796 (VCV003765796.3).

ClinVar aggregate classification (germline): Conflicting classifications of pathogenicity. Review status: criteria provided, conflicting classifications (1 of 4 stars). 3 submissions from 3 submitters: Likely pathogenic (2); Uncertain significance (1). Last evaluated 2026-03-13.

Conditions:
Alport syndrome. Also called: Hemorrhagic familial nephritis; Hemorrhagic hereditary nephritis; Congenital hereditary hematuria. Identifiers: Orphanet 63, MedGen C1567741, MONDO:0018965.

gnomAD v4.1: 3 of 1,613,982 alleles (0.00019%); highest among the groups gnomAD compares: Non-Finnish European, 0.00025%; no homozygotes.

Submissions (3):

GeneDx
Classification: Likely pathogenic. Last evaluated: 2026-03-13. Review status: criteria provided, single submitter. Criteria: GeneDx Variant Classification Process June 2021. Collection method: clinical testing. Allele origin: germline.
Comment: Affects a glycine residue in a Gly-X-Y motif in the triple helical region of the COL4A3 gene, where the majority of pathogenic missense variants occur, and is predicted to disrupt normal protein folding and function (PMID: 10752524); Not observed at significant frequency in large population cohorts (gnomAD); In silico analysis supports that this missense variant has a deleterious effect on protein structure/function; Has not been previously published as pathogenic or benign to our knowledge; This variant is associated with the following publications: (PMID: 10752524)

Natera, Inc.
Classification: Likely pathogenic for Alport syndrome. Last evaluated: 2025-08-26. Review status: criteria provided, single submitter. Criteria: Natera Variant Classification Schema (03/2026). Collection method: clinical testing. Allele origin: germline.
Comment: The c.4126G>A variant in COL4A3 is a missense variant predicted to cause substitution of glycine to arginine at amino acid 1376. This variant is rare in the general population with a frequency below the threshold expected for the associated phenotype(s). This variant is located in a functionally critical region of the protein. Computational prediction algorithms indicate this variant is likely to affect gene or protein function. Given the available evidence, this variant is classified as Likely Pathogenic.

Greenwood Genetic Center Diagnostic Laboratories, Greenwood Genetic Center
Classification: Uncertain significance. Last evaluated: 2024-11-27. Review status: criteria provided, single submitter. Criteria: ACMG Guidelines, 2015. Collection method: clinical testing. Allele origin: germline. Affected: yes.
Comment: PM2, PP3